The following is an entry in ClinVar:

ClinVar aggregate classification (germline): Pathogenic. Review status: criteria provided, single submitter (1 of 4 stars). 2 submissions from 2 submitters: Pathogenic (1). 1 of the submissions does not count toward it. Last evaluated 2023-09-23.

Conditions:
Ehlers-Danlos syndrome, type 4 (EDSVASC). Also called: Ehlers-Danlos syndrome vascular type; Ehlers Danlos syndrome, ecchymotic type; Ehlers Danlos syndrome, arterial type; Ehlers Danlos syndrome, Sack-Barabas type; Ehlers-Danlos Syndrome Type IV. Identifiers: Orphanet 286, MedGen C0268338, MONDO:0017314, OMIM 130050.

Submissions (2):

Labcorp Genetics (formerly Invitae), Labcorp
Classification: Pathogenic for Ehlers-Danlos syndrome, type 4. Last evaluated: 2023-09-23. Review status: criteria provided, single submitter. Criteria: Invitae Variant Classification Sherloc (09022015). Collection method: clinical testing. Allele origin: germline.
Comment: ClinVar contains an entry for this variant (Variation ID: 101189). This variant is also known as G493D. This missense change has been observed in individuals with clinical features of vascular Ehlers-Danlos syndrome (PMID: 10706896; Invitae). This variant is not present in population databases (gnomAD no frequency). This sequence change replaces glycine, which is neutral and non-polar, with aspartic acid, which is acidic and polar, at codon 660 of the COL3A1 protein (p.Gly660Asp). Experimental studies and prediction algorithms are not available or were not evaluated, and the functional significance of this variant is currently unknown. For these reasons, this variant has been classified as Pathogenic. This variant disrupts the triple helix domain of COL3A1. Glycine residues within the Gly-Xaa-Yaa repeats of the triple helix domain are required for the structure and stability of fibrillar collagens (PMID: 7695699, 8218237, 19344236). In COL3A1, variants that affect these glycine residues are significantly enriched in individuals with disease (PMID: 24922459, 25758994) compared to the general population (ExAC).

Collagen Diagnostic Laboratory, University of Washington
Classification: Pathogenic for Ehlers-Danlos syndrome, type 4. Review status: no assertion criteria provided. Collection method: clinical testing. Allele origin: germline. Affected: yes. Not counted in ClinVar's aggregate classification.

Literature cited by the submitters: PubMed 10706896 (cited by Labcorp Genetics (formerly Invitae), Labcorp and Collagen Diagnostic Laboratory, University of Washington); PubMed 7695699 (cited by Labcorp Genetics (formerly Invitae), Labcorp); PubMed 8218237 (cited by Labcorp Genetics (formerly Invitae), Labcorp); PubMed 19344236 (cited by Labcorp Genetics (formerly Invitae), Labcorp); PubMed 24922459 (cited by Labcorp Genetics (formerly Invitae), Labcorp); PubMed 25758994 (cited by Labcorp Genetics (formerly Invitae), Labcorp).

NM_000090.4(COL3A1):c.1979G>A (p.Gly660Asp)

Gene: COL3A1 (collagen type III alpha 1 chain; plus strand). Cytogenetic location: 2q32.2.
Variant type: single nucleotide variant.
Coding change: c.1979G>A on transcript NM_000090.4 (MANE Select); coding-DNA position 1979, G replaced by A.
Protein change: p.Gly660Asp; replaces glycine 660 with aspartic acid.
Molecular consequence: missense variant.
Genome position (GRCh38, 1-based): chr2:188,998,675, G>A. VCF-style: chr2-188998675-G-A. GRCh37 (hg19) VCF-style: chr2-189863401-G-A.
Identifiers: ClinVar variation 101189 (VCV000101189.5), dbSNP rs587779493, ClinGen allele CA004808.